The following is an entry in ClinVar:

NM_001040716.2(PC):c.1052T>C (p.Val351Ala)

Gene: PC (pyruvate carboxylase; minus strand). Cytogenetic location: 11q13.2.
Variant type: single nucleotide variant.
Coding change: c.1052T>C on transcript NM_001040716.2 (MANE Select); coding-DNA position 1052, T replaced by C.
Protein change: p.Val351Ala; replaces valine 351 with alanine.
Molecular consequence: missense variant.
Genome position (GRCh38, 1-based): chr11:66,866,320, A>G on the plus strand (T>C on the coding strand, the complement: PC is on the minus strand). VCF-style: chr11-66866320-A-G. GRCh37 (hg19) VCF-style: chr11-66633791-A-G.
Other names: c.1052T>C, p.Val351Ala (NM_000920.4, NM_022172.3); short protein forms V351A.
Identifiers: ClinVar variation 1487689 (VCV001487689.6), dbSNP rs1261989853, ClinGen allele CA381499652.
Genomic context (GRCh38, chr11:66,866,320, plus strand): 5'-CCGTTGATGCGGATGTTCTCCTGCCGCAGGCCCAGGTCGGGTAGGCTCCTGCCCTCAGCC[A>G]CGTGGATCTGAGCATGGACCAGGTCTACGCTGTAGGGCATTGGGGGGAGGGGGGAAAGGA-3'
Protein context (NP_001035806.1, residues 341-361): DVDLVHAQIH[Val351Ala]AEGRSLPDLG

ClinVar aggregate classification (germline): Uncertain significance (1 of 4 stars; one submission).

Conditions:
Pyruvate carboxylase deficiency. Also called: ATAXIA WITH LACTIC ACIDOSIS II; Pyruvate Carboxylase Deficiency Disease; LEIGH NECROTIZING ENCEPHALOPATHY DUE TO PYRUVATE CARBOXYLASE DEFICIENCY; PC DEFICIENCY; LEIGH SYNDROME DUE TO PYRUVATE CARBOXYLASE DEFICIENCY. Identifiers: Orphanet 3008, MedGen C0034341, MONDO:0009949, OMIM 266150.

Allele frequency attached by ClinVar (database versions not stated): TOPMed 0.00001.

Submission:

Labcorp Genetics (formerly Invitae), Labcorp
Classification: Uncertain significance for Pyruvate carboxylase deficiency. Last evaluated: 2024-10-15. Review status: criteria provided, single submitter. Criteria: Invitae Variant Classification Sherloc (09022015). Collection method: clinical testing. Allele origin: germline.
Comment: This sequence change replaces valine, which is neutral and non-polar, with alanine, which is neutral and non-polar, at codon 351 of the PC protein (p.Val351Ala). This variant is present in population databases (no rsID available, gnomAD 0.01%). This variant has not been reported in the literature in individuals affected with PC-related conditions. ClinVar contains an entry for this variant (Variation ID: 1487689). Invitae Evidence Modeling of protein sequence and biophysical properties (such as structural, functional, and spatial information, amino acid conservation, physicochemical variation, residue mobility, and thermodynamic stability) has been performed for this missense variant. However, the output from this modeling did not meet the statistical confidence thresholds required to predict the impact of this variant on PC protein function. In summary, the available evidence is currently insufficient to determine the role of this variant in disease. Therefore, it has been classified as a Variant of Uncertain Significance.